The following is an entry in ClinVar:

ClinVar aggregate classification (germline): Pathogenic (1 of 4 stars; one submission).

Conditions:
Severe X-linked myotubular myopathy (CNMX). Also called: MYOTUBULAR MYOPATHY 1; X-linked centronuclear myopathy; Myotubular myopathy, X-linked. Identifiers: Orphanet 596, MedGen C0410203, MONDO:0010683, OMIM 310400.

Submission:

Labcorp Genetics (formerly Invitae), Labcorp
Classification: Pathogenic for Severe X-linked myotubular myopathy. Last evaluated: 2021-01-15. Review status: criteria provided, single submitter. Criteria: Invitae Variant Classification Sherloc (09022015). Collection method: clinical testing. Allele origin: germline.
Comment: This sequence change creates a premature translational stop signal (p.Glu172Aspfs*14) in the MTM1 gene. It is expected to result in an absent or disrupted protein product. This variant is not present in population databases (ExAC no frequency). This variant has not been reported in the literature in individuals with MTM1-related conditions. Loss-of-function variants in MTM1 are known to be pathogenic (PMID: 9305655, 10063835). For these reasons, this variant has been classified as Pathogenic.

Literature cited by the submitters: PubMed 9305655; PubMed 10063835.

NM_000252.3(MTM1):c.516del (p.Glu172fs)

Gene: MTM1 (myotubularin 1; plus strand). Cytogenetic location: Xq28.
Variant type: Deletion.
Coding change: c.516del on transcript NM_000252.3 (MANE Select); coding-DNA position 516, one base deleted (A; older notation c.516delA).
Protein change: p.Glu172fs; shifts the reading frame from glutamic acid 172.
Molecular consequence: frameshift variant.
Genome position (GRCh38, 1-based): chrX:150,639,014, A deleted; the last of 2 consecutive A bases (chrX:150,639,013-150,639,014); deleting either gives the same sequence. VCF-style (leftmost placement, unchanged base first): chrX-150639012-GA-G. GRCh37 (hg19) VCF-style: chrX-149807485-GA-G.
Other names: c.516del, p.Glu172fs (NM_001376906.1, NM_001376908.1); c.405del, p.Glu135fs (NM_001376907.1); short protein forms E135fs, E172fs.
Identifiers: ClinVar variation 950170 (VCV000950170.8), dbSNP rs2039803495, ClinGen allele CA1139667818.